The following is an entry in ClinVar:

NM_000059.4(BRCA2):c.8844T>G (p.Ile2948Met)

Gene: BRCA2 (BRCA2 DNA repair associated; plus strand). Cytogenetic location: 13q13.1.
Variant type: single nucleotide variant.
Coding change: c.8844T>G on transcript NM_000059.4 (MANE Select); coding-DNA position 8844, T replaced by G.
Protein change: p.Ile2948Met; replaces isoleucine 2948 with methionine.
Molecular consequence: missense variant.
Genome position (GRCh38, 1-based): chr13:32,379,406, T>G. VCF-style: chr13-32379406-T-G. GRCh37 (hg19) VCF-style: chr13-32953543-T-G.
Other names: short protein forms I2948M.
Identifiers: ClinVar variation 419170 (VCV000419170.25), dbSNP rs1064793691, ClinGen allele CA16619784.

ClinVar aggregate classification (germline): Conflicting classifications of pathogenicity. Review status: criteria provided, conflicting classifications (1 of 4 stars). 9 submissions from 9 submitters: Uncertain significance (8); Benign (1). Last evaluated 2025-05-22.

Conditions:
Familial prostate cancer. Also called: Hereditary Prostate Cancer. Identifiers: MedGen C2931456, MONDO:0700275, OMIM 176807.
Familial cancer of breast. Also called: hereditary breast carcinoma; BREAST CANCER, FAMILIAL; Hereditary breast cancer. Identifiers: Orphanet 227535, MedGen C0346153, MONDO:0016419, OMIM 114480. Disease mechanism: loss of function.
Breast-ovarian cancer, familial, susceptibility to, 2 (BROVCA2). Also called: BRCA2 Hereditary Breast and Ovarian Cancer. Identifiers: Orphanet 145, MedGen C2675520, MONDO:0012933, OMIM 612555. Disease mechanism: loss of function.
Medulloblastoma (MDB). Also called: Medulloblastoma, somatic; MEDULLOBLASTOMA PREDISPOSITION SYNDROME. Identifiers: Orphanet 616, MedGen C0025149, MeSH D008527, MONDO:0007959, OMIM 155255, HP:0002885.
Wilms tumor 1 (WT1). Also called: Wilms tumor, somatic. Identifiers: Orphanet 654, MedGen CN033288, MONDO:0008679, OMIM 194070.
Pancreatic cancer, susceptibility to, 2. Identifiers: Orphanet 1333, MedGen C3150546, MONDO:0013235, OMIM 613347.
Glioma susceptibility 3 (GLM3). Also called: Glioblastoma 3. Identifiers: Orphanet 182067, Orphanet 360, MedGen C2751641, MONDO:0013093, OMIM 613029.
Fanconi anemia complementation group D1. Also called: BRCA2-Related Fanconi Anemia. Identifiers: Orphanet 319462, MedGen C1838457, MONDO:0011584, OMIM 605724.
Hereditary cancer-predisposing syndrome. Also called: Hereditary Cancer Syndrome; Tumor predisposition; Neoplastic Syndromes, Hereditary; Hereditary neoplastic syndrome. Identifiers: Orphanet 140162, MedGen C0027672, MeSH D009386, MONDO:0015356.
Hereditary breast ovarian cancer syndrome. Also called: Breast and ovarian cancer; Hereditary breast and ovarian cancer syndrome; BRCA1- and BRCA2-Associated Hereditary Breast and Ovarian Cancer; Hereditary breast and ovarian cancer syndrome (HBOC); Hereditary breast and/or ovarian cancer syndrome; Hereditary breast and ovarian cancer. Identifiers: Orphanet 145, MedGen C0677776, MeSH D061325, MONDO:0003582. Disease mechanism: loss of function.

Allele frequency attached by ClinVar (database versions not stated): gnomAD exomes below 0.00001.
gnomAD v4.1: 1 of 1,613,810 alleles (0.000062%); highest among the groups gnomAD compares: Middle Eastern, 0.017%; no homozygotes.

Submissions (9):

Ambry Genetics
Classification: Benign for Hereditary cancer-predisposing syndrome. Last evaluated: 2025-05-22. Review status: criteria provided, single submitter. Criteria: Ambry Variant Classification Scheme 2023. Collection method: clinical testing. Allele origin: germline.

Fulgent Genetics
Classification: Uncertain significance for Familial cancer of breast; Medulloblastoma; Familial prostate cancer; Wilms tumor 1; Fanconi anemia complementation group D1; Breast-ovarian cancer, familial, susceptibility to, 2; Glioma susceptibility 3; Pancreatic cancer, susceptibility to, 2. Last evaluated: 2024-04-30. Review status: criteria provided, single submitter. Criteria: ACMG Guidelines, 2015. Collection method: clinical testing. Allele origin: germline.

MGZ Medical Genetics Center
Classification: Uncertain significance for Familial cancer of breast. Last evaluated: 2024-02-09. Review status: criteria provided, single submitter. Criteria: CSpec BRCA1/2ACMG Rules Specifications V1.1.0. Collection method: clinical testing. Allele origin: germline. Affected: yes.
Comment: ACMG codes applied following ENIGMA VCEP rules: BP4, PM2_SUP

Baylor Genetics
Classification: Uncertain significance for Familial cancer of breast. Last evaluated: 2024-01-06. Review status: criteria provided, single submitter. Criteria: ACMG Guidelines, 2015. Collection method: clinical testing. Allele origin: unknown.

GeneDx
Classification: Uncertain significance. Last evaluated: 2023-12-11. Review status: criteria provided, single submitter. Criteria: GeneDx Variant Classification Process June 2021. Collection method: clinical testing. Allele origin: germline. Affected: yes.
Comment: Observed in participants with breast cancer and absent in the cancer-free control group in a breast cancer study (PMID: 32658311); In silico analysis supports that this missense variant does not alter protein structure/function; Not observed at significant frequency in large population cohorts (gnomAD); Also known as 9072T>G; This variant is associated with the following publications: (PMID: 32377563, 29884841, 32658311, 31131967, 12228710)

Institute for Biomarker Research, Medical Diagnostic Laboratories, L.L.C.
Classification: Uncertain significance for Hereditary breast ovarian cancer syndrome. Last evaluated: 2023-10-31. Review status: criteria provided, single submitter. Criteria: ACMG Guidelines, 2015. Collection method: clinical testing. Allele origin: germline.

KCCC/NGS Laboratory, Kuwait Cancer Control Center
Classification: Uncertain significance for Breast-ovarian cancer, familial, susceptibility to, 2. Last evaluated: 2023-06-06. Review status: criteria provided, single submitter. Criteria: ACMG Guidelines, 2015. Collection method: clinical testing. Allele origin: germline. Affected: yes.
Comment: A variant of uncertain significance was detected in this sample . This sequence change replaces leucine with methionine at codon 2948 of the BRCA2 protein (p.Ile2948Met ) also known as c.8844T>G, which located in coding exon 22 of the BRCA2 gene(NM_000059.3), results from a T to G substitution at nucleotide position 8844. Since Isoleucine and Methionine share similar properties, this is considered a conservative amino acid substitution.This amino acid position Ile2948Met is not conserved and is located in the DNA-binding domain. This variant is not present in population databases (gnomAD ). This variant reported in ClinVar database (ID: 419170) . This alteration is predicted to be possibly pathogenic by SIFT , Otherwise , predicted to be tolerated by other in silico analysis.In summary, the available evidence is currently insufficient to determine the role of this variant in disease. Therefore, it has been classified as a Variant of Uncertain Significance.

Labcorp Genetics (formerly Invitae), Labcorp
Classification: Uncertain significance for Hereditary breast ovarian cancer syndrome. Last evaluated: 2019-09-06. Review status: criteria provided, single submitter. Criteria: Invitae Variant Classification Sherloc (09022015). Collection method: clinical testing. Allele origin: germline.
Comment: In summary, the available evidence is currently insufficient to determine the role of this variant in disease. Therefore, it has been classified as a Variant of Uncertain Significance. Algorithms developed to predict the effect of missense changes on protein structure and function are either unavailable or do not agree on the potential impact of this missense change (SIFT: "Deleterious"; PolyPhen-2: "Benign"; Align-GVGD: "Class C0"). This variant has not been reported in the literature in individuals with BRCA2-related disease. ClinVar contains an entry for this variant (Variation ID: 419170). This variant is not present in population databases (ExAC no frequency). This sequence change replaces isoleucine with methionine at codon 2948 of the BRCA2 protein (p.Ile2948Met). The isoleucine residue is weakly conserved and there is a small physicochemical difference between isoleucine and methionine.

Color Diagnostics, LLC DBA Color Health
Classification: Uncertain significance for Hereditary cancer-predisposing syndrome. Last evaluated: 2019-05-07. Review status: criteria provided, single submitter. Criteria: ACMG Guidelines, 2015. Collection method: clinical testing. Allele origin: germline.

Literature cited by the submitters: PubMed 32658311 (cited by Ambry Genetics).